The following is an entry in ClinVar:

ClinVar aggregate classification (germline): Uncertain significance (1 of 4 stars; one submission).

gnomAD v4.1: 2 of 1,614,212 alleles (0.00012%); highest among the groups gnomAD compares: Non-Finnish European, 0.00017%; no homozygotes.

Submission:

Labcorp Genetics (formerly Invitae), Labcorp
Classification: Uncertain significance. Last evaluated: 2023-05-08. Review status: criteria provided, single submitter. Criteria: Invitae Variant Classification Sherloc (09022015). Collection method: clinical testing. Allele origin: germline.
Comment: In summary, the available evidence is currently insufficient to determine the role of this variant in disease. Therefore, it has been classified as a Variant of Uncertain Significance. Advanced modeling of protein sequence and biophysical properties (such as structural, functional, and spatial information, amino acid conservation, physicochemical variation, residue mobility, and thermodynamic stability) performed at Invitae indicates that this missense variant is expected to disrupt CNGB1 protein function. ClinVar contains an entry for this variant (Variation ID: 1395055). This variant has not been reported in the literature in individuals affected with CNGB1-related conditions. This variant is not present in population databases (gnomAD no frequency). This sequence change replaces leucine, which is neutral and non-polar, with serine, which is neutral and polar, at codon 1010 of the CNGB1 protein (p.Leu1010Ser).

NM_001297.5(CNGB1):c.3029T>C (p.Leu1010Ser)

Gene: CNGB1 (cyclic nucleotide gated channel subunit beta 1; minus strand). Cytogenetic location: 16q21.
Variant type: single nucleotide variant.
Coding change: c.3029T>C on transcript NM_001297.5 (MANE Select); coding-DNA position 3029, T replaced by C.
Protein change: p.Leu1010Ser; replaces leucine 1010 with serine.
Molecular consequence: missense variant.
Genome position (GRCh38, 1-based): chr16:57,897,862, A>G on the plus strand (T>C on the coding strand, the complement: CNGB1 is on the minus strand). VCF-style: chr16-57897862-A-G. GRCh37 (hg19) VCF-style: chr16-57931766-A-G.
Other names: c.3011T>C, p.Leu1004Ser (NM_001286130.2); short protein forms L1004S, L1010S.
Identifiers: ClinVar variation 1395055 (VCV001395055.8), dbSNP rs2149355734, ClinGen allele CA396067424.